The following is an entry in ClinVar:

ClinVar aggregate classification (germline): Uncertain significance. Review status: criteria provided, multiple submitters, no conflicts (2 of 4 stars). 2 submissions from 2 submitters: Uncertain significance (2). Last evaluated 2024-07-14.

Conditions:
Inborn genetic diseases. Identifiers: MedGen C0950123, MeSH D030342.

gnomAD v4.1: 4 of 1,491,290 alleles (0.00027%); highest among the groups gnomAD compares: African/African-American, 0.0014%; no homozygotes.

Submissions (2):

Ambry Genetics
Classification: Uncertain significance for Inborn genetic diseases. Last evaluated: 2024-07-14. Review status: criteria provided, single submitter. Criteria: Ambry Variant Classification Scheme 2023. Collection method: clinical testing. Allele origin: germline.

Mayo Clinic Laboratories, Mayo Clinic
Classification: Uncertain significance. Last evaluated: 2023-09-06. Review status: criteria provided, single submitter. Criteria: ACMG Guidelines, 2015. Collection method: clinical testing. Allele origin: germline. Observed: 1 variant allele.
Comment: PM2_moderate

NM_002076.4(GNS):c.248G>A (p.Ser83Asn)

Gene: GNS (glucosamine (N-acetyl)-6-sulfatase; minus strand). Cytogenetic location: 12q14.3.
Variant type: single nucleotide variant.
Coding change: c.248G>A on transcript NM_002076.4 (MANE Select); coding-DNA position 248, G replaced by A.
Protein change: p.Ser83Asn; replaces serine 83 with asparagine.
Molecular consequence: missense variant.
Genome position (GRCh38, 1-based): chr12:64,752,702, C>T on the plus strand (G>A on the coding strand, the complement: GNS is on the minus strand). VCF-style: chr12-64752702-C-T. GRCh37 (hg19) VCF-style: chr12-65146482-C-T.
Other names: p.Ser83Asn; c.248G>A (NM_002076.3); short protein forms S83N.
Identifiers: ClinVar variation 3380115 (VCV003380115.2).